The following is an entry in ClinVar:

NM_002578.5(PAK3):c.918G>A (p.Lys306=)

Gene: PAK3 (p21 (RAC1) activated kinase 3; plus strand). Cytogenetic location: Xq23.
Variant type: single nucleotide variant.
Coding change: c.918G>A on transcript NM_002578.5 (MANE Select); coding-DNA position 918, G replaced by A.
Protein change: p.Lys306=; no amino-acid change (lysine 306 retained).
Molecular consequence: synonymous variant. On other transcripts: non-coding transcript variant (2).
Genome position (GRCh38, 1-based): chrX:111,192,544, G>A. VCF-style: chrX-111192544-G-A. GRCh37 (hg19) VCF-style: chrX-110435772-G-A.
Other names: c.918G>A, p.Lys306= (NM_001128166.3, NM_001128167.3, NM_001324325.2 and 5 more transcripts); c.1026G>A, p.Lys342= (NM_001128168.3); c.981G>A, p.Lys327= (NM_001128172.2); c.963G>A, p.Lys321= (NM_001128173.3, NM_001324327.2, NM_001324328.2 and 2 more transcripts).
Identifiers: ClinVar variation 761365 (VCV000761365.14), dbSNP rs151056810, ClinGen allele CA10492738.

ClinVar aggregate classification (germline): Benign/Likely benign. Review status: criteria provided, multiple submitters, no conflicts (2 of 4 stars). 3 submissions from 3 submitters: Benign (2); Likely benign (1). Last evaluated 2024-10-28.

Conditions:
Intellectual developmental disorder, X-linked 30. Also called: Intellectual disability, X-linked 30; MENTAL RETARDATION, X-LINKED 47. Identifiers: Orphanet 777, MedGen C0796237, MONDO:0010361, OMIM 300558.

Allele frequency attached by ClinVar (database versions not stated): 1000 Genomes Project 0.00026; gnomAD 0.00013 and 0.00016; gnomAD exomes 0.00014 and 0.00018; TOPMed 0.00018; ExAC 0.00023; 1000 Genomes Project 30x 0.00042; ESP Exome Variant Server 0.00047.
gnomAD v4.1: 161 of 1,171,801 alleles (0.014%); highest among the groups gnomAD compares: Admixed American, 0.022%; no homozygotes.

Submissions (3):

Blueprint Genetics
Classification: Likely benign. Last evaluated: 2024-10-28. Review status: criteria provided, single submitter. Criteria: ACMG Guidelines, 2015. Collection method: clinical testing. Allele origin: germline.

Labcorp Genetics (formerly Invitae), Labcorp
Classification: Benign. Last evaluated: 2024-07-29. Review status: criteria provided, single submitter. Criteria: Invitae Variant Classification Sherloc (09022015). Collection method: clinical testing. Allele origin: germline.

Illumina Laboratory Services, Illumina
Classification: Benign for Intellectual developmental disorder, X-linked 30. Last evaluated: 2018-01-13. Review status: criteria provided, single submitter. Criteria: ICSL Variant Classification Criteria 13 December 2019. Collection method: clinical testing. Allele origin: germline.
Comment: This variant was observed in the ICSL laboratory as part of a predisposition screen in an ostensibly healthy population. It had not been previously curated by ICSL or reported in the Human Gene Mutation Database (HGMD: prior to June 1st, 2018), and was therefore a candidate for classification through an automated scoring system. Utilizing variant allele frequency, disease prevalence and penetrance estimates, and inheritance mode, an automated score was calculated to assess if this variant is too frequent to cause the disease. Based on the score and internal cut-off values, a variant classified as benign is not then subjected to further curation. The score for this variant resulted in a classification of benign for this disease.